The following is an entry in ClinVar:

NM_000516.7(GNAS):c.336C>A (p.Asn112Lys)

Gene: GNAS (GNAS complex locus; plus strand). Cytogenetic location: 20q13.32.
Variant type: single nucleotide variant.
Coding change: c.336C>A on transcript NM_000516.7 (MANE Select); coding-DNA position 336, C replaced by A.
Protein change: p.Asn112Lys; replaces asparagine 112 with lysine.
Molecular consequence: missense variant. On other transcripts: 3 prime UTR variant (2).
Genome position (GRCh38, 1-based): chr20:58,903,695, C>A. VCF-style: chr20-58903695-C-A. GRCh37 (hg19) VCF-style: chr20-57478750-C-A.
Other names: c.339C>A, p.Asn113Lys (NM_001077488.5); c.291C>A, p.Asn97Lys (NM_001077489.4); c.*197C>A (NM_001077490.3); c.159C>A, p.Asn53Lys (NM_001309840.2, NM_001309861.2); c.240C>A, p.Asn80Lys (NM_001410912.1); c.2220C>A, p.Asn740Lys (NM_001410913.1); c.*242C>A (NM_016592.5); c.2265C>A, p.Asn755Lys (NM_080425.4); and 1 more; short protein forms N112K, N113K, N53K, N740K, N755K, N80K, N97K, N98K.
Identifiers: ClinVar variation 3044781 (VCV003044781.2), dbSNP rs2146182817, ClinGen allele CA409450402.

ClinVar aggregate classification (germline): Uncertain significance (0 of 4 stars; one submission).

Conditions:
GNAS-related disorder. Identifiers: MedGen CN380105.

Submission:

PreventionGenetics, part of Exact Sciences
Classification: Uncertain significance for GNAS-related condition. Last evaluated: 2024-01-03. Review status: no assertion criteria provided. Collection method: clinical testing. Allele origin: germline.
Comment: The GNAS c.336C>A variant is predicted to result in the amino acid substitution p.Asn112Lys. To our knowledge, this variant has not been reported in the literature or in a large population database, indicating this variant is rare. At this time, the clinical significance of this variant is uncertain due to the absence of conclusive functional and genetic evidence.